The following is an entry in ClinVar:

NM_001042492.3(NF1):c.7569C>T (p.Ser2523=)

Gene: NF1 (neurofibromin 1; plus strand). Cytogenetic location: 17q11.2.
Variant type: single nucleotide variant.
Coding change: c.7569C>T on transcript NM_001042492.3 (MANE Select); coding-DNA position 7569, C replaced by T.
Protein change: p.Ser2523=; no amino-acid change (serine 2523 retained).
Molecular consequence: synonymous variant.
Genome position (GRCh38, 1-based): chr17:31,352,368, C>T. VCF-style: chr17-31352368-C-T. GRCh37 (hg19) VCF-style: chr17-29679386-C-T.
Other names: c.7506C>T, p.Ser2502= (NM_000267.4).
Identifiers: ClinVar variation 184459 (VCV000184459.12), dbSNP rs786201476, ClinGen allele CA189024.
Genomic context (GRCh38, chr17:31,352,368, plus strand): 5'-CCTTGCAGCCACCTATCCAACTGTCGGCCAGACCAGTCCCCGAGCCAGGAAATCCATGAG[C>T]CTGGACATGGGGCAACCTTCTCAGGCCAACACTAAGAAGTTGCTTGGTTAGTTTATCTAA-3'
Protein context (NP_001035957.1, residues 2513-2533): QTSPRARKSM[Ser2523=]LDMGQPSQAN

ClinVar aggregate classification (germline): Benign/Likely benign. Review status: criteria provided, multiple submitters, no conflicts (2 of 4 stars). 5 submissions from 5 submitters: Benign (1); Likely benign (4). Last evaluated 2026-05-21.

Conditions:
Hereditary cancer-predisposing syndrome. Also called: Tumor predisposition; Hereditary neoplastic syndrome; Neoplastic Syndromes, Hereditary; Hereditary Cancer Syndrome. Identifiers: Orphanet 140162, MedGen C0027672, MeSH D009386, MONDO:0015356.
Neurofibromatosis, type 1 (NF1). Also called: Neurofibromatosis, type I; NEUROFIBROMATOSIS, TYPE I, SOMATIC; VON RECKLINGHAUSEN DISEASE; Peripheral type neurofibromatosis. Identifiers: Orphanet 636, MedGen C0027831, MONDO:0018975, OMIM 162200. Disease mechanism: loss of function.

Allele frequency attached by ClinVar (database versions not stated): gnomAD exomes below 0.00001; TOPMed below 0.00001.
gnomAD v4.1: 1 of 1,614,048 alleles (0.000062%); highest among the groups gnomAD compares: Non-Finnish European, 0.000085%; no homozygotes.

Submissions (5):

Myriad Genetics, Inc.
Classification: Benign for Neurofibromatosis, type 1. Last evaluated: 2026-05-21. Review status: criteria provided, single submitter. Criteria: Myriad Autosomal Dominant, Autosomal Recessive and X-Linked Classification Criteria (2023). Collection method: clinical testing. Allele origin: unknown.
Comment: This variant is considered benign. This variant is a silent/synonymous amino acid change and it is not expected to impact splicing.

Labcorp Genetics (formerly Invitae), Labcorp
Classification: Likely benign for Neurofibromatosis, type 1. Last evaluated: 2022-12-09. Review status: criteria provided, single submitter. Criteria: Invitae Variant Classification Sherloc (09022015). Collection method: clinical testing. Allele origin: germline.

Genome-Nilou Lab
Classification: Likely benign for Neurofibromatosis, type 1. Last evaluated: 2022-03-15. Review status: criteria provided, single submitter. Criteria: ACMG Guidelines, 2015. Collection method: clinical testing. Allele origin: germline. Affected: no.

Sema4
Classification: Likely benign for Hereditary cancer-predisposing syndrome. Last evaluated: 2021-09-03. Review status: criteria provided, single submitter. Criteria: Sema4 Curation Guidelines. Collection method: curation. Allele origin: germline.

Ambry Genetics
Classification: Likely benign for Hereditary cancer-predisposing syndrome. Last evaluated: 2014-06-22. Review status: criteria provided, single submitter. Criteria: Ambry Autosomal Dominant and X-Linked criteria (10/2015). Collection method: clinical testing. Allele origin: germline. Observed: 1 variant allele.